The following is an entry in ClinVar:

NM_001367624.2(ZNF469):c.10975G>A (p.Gly3659Arg)

Gene: ZNF469 (zinc finger protein 469; plus strand). Cytogenetic location: 16q24.2.
Variant type: single nucleotide variant.
Coding change: c.10975G>A on transcript NM_001367624.2 (MANE Select); coding-DNA position 10975, G replaced by A.
Protein change: p.Gly3659Arg; replaces glycine 3659 with arginine.
Molecular consequence: missense variant.
Genome position (GRCh38, 1-based): chr16:88,438,445, G>A. VCF-style: chr16-88438445-G-A. GRCh37 (hg19) VCF-style: chr16-88504853-G-A.
Other names: NM_001127464.1:c.10891G>A; NM_001127464.2:c.10891G>A; p.Gly3659Arg; short protein forms G3659R.
Identifiers: ClinVar variation 195113 (VCV000195113.26), dbSNP rs3812951, ClinGen allele CA201570.

ClinVar aggregate classification (germline): Benign/Likely benign. Review status: criteria provided, multiple submitters, no conflicts (2 of 4 stars). 10 submissions from 10 submitters: Benign (8); Likely benign (2). Last evaluated 2026-02-04.

Conditions:
Cardiovascular phenotype. Identifiers: MedGen CN230736.
Ehlers-Danlos syndrome (EDS). Identifiers: Orphanet 98249, MedGen C0013720, MONDO:0020066.
Brittle cornea syndrome 1 (BCS1). Also called: DYSGENESIS MESODERMALIS CORNEAE ET SCLERAE; CORNEAL FRAGILITY, KERATOGLOBUS, BLUE SCLERAE, JOINT HYPEREXTENSIBILITY; EDS6B; FRAGILITAS OCULI WITH JOINT HYPEREXTENSIBILITY; Corneal fragility keratoglobus, blue sclerae AND joint hypermobility. Identifiers: Orphanet 90354, MedGen C0268344, MONDO:0024543, OMIM 229200.

Allele frequency attached by ClinVar (database versions not stated): gnomAD exomes 0.00960 and 0.01231; ExAC 0.01994; gnomAD 0.02221 and 0.02265; TOPMed 0.02430; 1000 Genomes Project 30x 0.02842; 1000 Genomes Project 0.02875.
gnomAD v4.1: 17,026 of 1,550,090 alleles (1.1%); highest among the groups gnomAD compares: African/African-American, 5.6%; 210 homozygotes.

Submissions (10):

Labcorp Genetics (formerly Invitae), Labcorp
Classification: Benign. Last evaluated: 2026-02-04. Review status: criteria provided, single submitter. Criteria: Invitae Variant Classification Sherloc (09022015). Collection method: clinical testing. Allele origin: germline.

Women's Health and Genetics/Laboratory Corporation of America, LabCorp
Classification: Likely benign. Last evaluated: 2026-01-21. Review status: criteria provided, single submitter. Criteria: LabCorp Variant Classification Summary - May 2015. Collection method: clinical testing. Allele origin: germline.

Blueprint Genetics
Classification: Benign. Last evaluated: 2024-11-27. Review status: criteria provided, single submitter. Criteria: ACMG Guidelines, 2015. Collection method: clinical testing. Allele origin: germline.

Mayo Clinic Laboratories, Mayo Clinic
Classification: Benign. Last evaluated: 2023-02-06. Review status: criteria provided, single submitter. Criteria: ACMG Guidelines, 2015. Collection method: clinical testing. Allele origin: germline. Observed: 62 variant alleles.

Genome Diagnostics Laboratory, The Hospital for Sick Children
Classification: Benign for Ehlers-Danlos syndrome. Last evaluated: 2021-12-18. Review status: criteria provided, single submitter. Criteria: ACMG Guidelines, 2015. Collection method: clinical testing. Allele origin: germline.

Genome-Nilou Lab
Classification: Benign for Brittle cornea syndrome 1. Last evaluated: 2021-12-05. Review status: criteria provided, single submitter. Criteria: ACMG Guidelines, 2015. Collection method: clinical testing. Allele origin: germline. Affected: no.

Ambry Genetics
Classification: Benign for Cardiovascular phenotype. Last evaluated: 2019-03-01. Review status: criteria provided, single submitter. Criteria: Ambry Variant Classification Scheme 2023. Collection method: clinical testing. Allele origin: germline.

GeneDx
Classification: Benign. Last evaluated: 2016-10-30. Review status: criteria provided, single submitter. Criteria: GeneDx Variant Classification (06012015). Collection method: clinical testing. Allele origin: germline. Affected: yes.
Comment: This variant is considered likely benign or benign based on one or more of the following criteria: it is a conservative change, it occurs at a poorly conserved position in the protein, it is predicted to be benign by multiple in silico algorithms, and/or has population frequency not consistent with disease.

Eurofins Ntd Llc (ga)
Classification: Benign. Last evaluated: 2015-05-22. Review status: criteria provided, single submitter. Criteria: EGL Classification Definitions 2015. Collection method: clinical testing. Allele origin: germline. Observed: 1 variant allele, 1 heterozygote.

Breakthrough Genomics
Classification: Likely benign. Review status: criteria provided, single submitter. Criteria: ACMG Guidelines, 2015. Collection method: not provided. Allele origin: germline. Inheritance: Autosomal recessive inheritance. Affected: yes.